The following is an entry in ClinVar:

NM_001378120.1(MBD5):c.4790T>C (p.Leu1597Pro)

Gene: MBD5 (methyl-CpG binding domain protein 5; plus strand). Cytogenetic location: 2q23.1.
Variant type: single nucleotide variant.
Coding change: c.4790T>C on transcript NM_001378120.1 (MANE Select); coding-DNA position 4790, T replaced by C.
Protein change: p.Leu1597Pro; replaces leucine 1597 with proline.
Molecular consequence: missense variant.
Genome position (GRCh38, 1-based): chr2:148,490,422, T>C. VCF-style: chr2-148490422-T-C. GRCh37 (hg19) VCF-style: chr2-149247991-T-C.
Other names: c.4790T>C, p.Leu1597Pro (NM_001438854.1, NM_001438856.1, NM_001438857.1 and 1 more transcripts); c.4091T>C, p.Leu1364Pro (NM_001438855.1, NM_001438859.1, NM_001438860.1 and 3 more transcripts); short protein forms L1597P, L1364P.
Identifiers: ClinVar variation 4990506 (VCV004990506.1).

ClinVar aggregate classification (germline): Uncertain significance (1 of 4 stars; one submission).

Conditions:
MBD5-related disorder. Also called: MBD5-related condition.

Submission:

PreventionGenetics, part of Exact Sciences
Classification: Uncertain significance for MBD5-related condition. Last evaluated: 2026-07-29. Review status: criteria provided, single submitter. Criteria: ACMG Guidelines, 2015. Collection method: clinical testing. Allele origin: germline.
Comment: The MBD5 c.4091T>C variant is predicted to result in the amino acid substitution p.Leu1364Pro. To our knowledge, this variant has not been reported in the literature or in a large population database (gnomAD), indicating this variant is rare. At this time, the clinical significance of this variant is uncertain due to the absence of conclusive functional and genetic evidence.